The following is an entry in ClinVar:

NM_022552.5(DNMT3A):c.2671del (p.Arg891fs)

Gene: DNMT3A (DNA methyltransferase 3 alpha; minus strand). Cytogenetic location: 2p23.3.
Variant type: Deletion.
Coding change: c.2671del on transcript NM_022552.5 (MANE Select); coding-DNA position 2671, one base deleted (C; older notation c.2671delC).
Protein change: p.Arg891fs; shifts the reading frame from arginine 891.
Molecular consequence: frameshift variant. On other transcripts: non-coding transcript variant (1).
Genome position (GRCh38, 1-based): chr2:25,234,347, G deleted on the plus strand (C on the coding strand, the reverse complement: DNMT3A is on the minus strand); the first of 2 consecutive G bases (chr2:25,234,347-25,234,348); deleting either gives the same sequence. VCF-style (leftmost placement, unchanged base first): chr2-25234346-CG-C. GRCh37 (hg19) VCF-style: chr2-25457215-CG-C.
Other names: c.2215del, p.Arg739fs (NM_001320893.1); c.2002del, p.Arg668fs (NM_001375819.1); c.2104del, p.Arg702fs (NM_153759.3); c.2671del, p.Arg891fs (NM_175629.2); short protein forms R668fs, R739fs, R891fs, R702fs.
Identifiers: ClinVar variation 3679851 (VCV003679851.2).

ClinVar aggregate classification (germline): Pathogenic (1 of 4 stars; one submission).

Conditions:
Tatton-Brown-Rahman overgrowth syndrome. Also called: Tatton-Brown-Rahman syndrome; Tall stature-intellectual disability-facial dysmorphism syndrome. Identifiers: Orphanet 404443, MedGen C4014545, MONDO:0014382, OMIM 615879.

Submission:

Labcorp Genetics (formerly Invitae), Labcorp
Classification: Pathogenic for Tatton-Brown-Rahman overgrowth syndrome. Last evaluated: 2024-05-31. Review status: criteria provided, single submitter. Criteria: Invitae Variant Classification Sherloc (09022015). Collection method: clinical testing. Allele origin: germline.
Comment: This sequence change creates a premature translational stop signal (p.Arg891Glyfs*15) in the DNMT3A gene. While this is not anticipated to result in nonsense mediated decay, it is expected to disrupt the last 22 amino acid(s) of the DNMT3A protein. This variant is not present in population databases (gnomAD no frequency). This variant has not been reported in the literature in individuals affected with DNMT3A-related conditions. This variant disrupts a region of the DNMT3A protein in which other variant(s) (p.Pro904Leu) have been determined to be pathogenic (PMID: 24614070, 31961069). This suggests that this is a clinically significant region of the protein, and that variants that disrupt it are likely to be disease-causing. For these reasons, this variant has been classified as Pathogenic.

Literature cited by the submitters: PubMed 24614070; PubMed 31961069.